The following is an entry in ClinVar:

ClinVar aggregate classification (germline): Uncertain significance (1 of 4 stars; one submission).

Conditions:
Inborn genetic diseases. Identifiers: MedGen C0950123, MeSH D030342.

Submission:

Ambry Genetics
Classification: Uncertain significance for Inborn genetic diseases. Last evaluated: 2022-04-25. Review status: criteria provided, single submitter. Criteria: Ambry Variant Classification Scheme 2023. Collection method: clinical testing. Allele origin: germline.
Comment: The p.M210V variant (also known as c.628A>G), located in coding exon 6 of the SH3TC2 gene, results from an A to G substitution at nucleotide position 628. The methionine at codon 210 is replaced by valine, an amino acid with highly similar properties. This amino acid position is conserved. In addition, this alteration is predicted to be tolerated by in silico analysis. Since supporting evidence is limited at this time, the clinical significance of this alteration remains unclear.

NM_024577.4(SH3TC2):c.628A>G (p.Met210Val)

Gene: SH3TC2 (SH3 domain and tetratricopeptide repeats 2; minus strand). Cytogenetic location: 5q32.
Variant type: single nucleotide variant.
Coding change: c.628A>G on transcript NM_024577.4 (MANE Select); coding-DNA position 628, A replaced by G.
Protein change: p.Met210Val; replaces methionine 210 with valine.
Molecular consequence: missense variant.
Genome position (GRCh38, 1-based): chr5:149,041,519, T>C on the plus strand (A>G on the coding strand, the complement: SH3TC2 is on the minus strand). VCF-style: chr5-149041519-T-C. GRCh37 (hg19) VCF-style: chr5-148421082-T-C.
Other names: short protein forms M210V.
Identifiers: ClinVar variation 1752640 (VCV001752640.2), dbSNP rs964222701, ClinGen allele CA128997373.